The following is an entry in ClinVar:

NM_017671.5(FERMT1):c.1839dup (p.Val614fs)

Gene: FERMT1 (FERM domain containing kindlin 1; minus strand). Cytogenetic location: 20p12.3.
Variant type: Duplication.
Coding change: c.1839dup on transcript NM_017671.5 (MANE Select); coding-DNA position 1839, one base duplicated (T; older notation c.1839dupT).
Protein change: p.Val614fs; shifts the reading frame from valine 614.
Molecular consequence: frameshift variant.
Genome position (GRCh38, 1-based): chr20:6,079,457, A duplicated on the plus strand (T on the coding strand, the reverse complement: FERMT1 is on the minus strand). VCF-style (leftmost placement, unchanged base first): chr20-6079456-C-CA. GRCh37 (hg19) VCF-style: chr20-6060103-C-CA.
Other names: short protein forms V614fs.
Identifiers: ClinVar variation 3731531 (VCV003731531.1).

ClinVar aggregate classification (germline): Likely pathogenic (1 of 4 stars; one submission).

Conditions:
Kindler syndrome (KNDLRS). Also called: Poikiloderma of Kindler; Congenital bullous poikiloderma; Hereditary acrokeratotic poikiloderma of Weary; Kindler's syndrome; BULLOUS ACROKERATOTIC POIKILODERMA OF KINDLER AND WEARY; POIKILODERMA, CONGENITAL, WITH BULLAE, WEARY TYPE. Identifiers: Orphanet 2908, Orphanet 306539, MedGen C0406557, MONDO:0008260, OMIM 173650.

Submission:

Neuberg Centre For Genomic Medicine, NCGM
Classification: Likely pathogenic for Kindler syndrome. Last evaluated: 2023-06-22. Review status: criteria provided, single submitter. Criteria: ACMG Guidelines, 2015. Collection method: clinical testing. Allele origin: germline. Inheritance: Autosomal recessive inheritance. Affected: yes.
Comment: The observed frameshift variant c.1839dup(p.Val614CysfsTer13) in FERMT1 gene has not been reported previously as a pathogenic variant nor as a benign variant, to our knowledge. This variant is absent in gnomAD Exomes. This variant causes a frameshift starting with codon Valine 614, changes this amino acid to Cysteine residue, and creates a premature Stop codon at position 13 of the new reading frame, denoted p.Val614CysfsTer13.) This variant is predicted to cause loss of normal protein function through protein truncation. Loss of function variants have been previously reported to be disease causing (Has C, et al., 2011). Although, this variant is present in the penultimate exon, there are three pathogenic/likely pathogenic variants are reported beyond this position in ClinVar Database. For these reasons, this variant has been classified as Likely Pathogenic.